The following is an entry in ClinVar:

ClinVar aggregate classification (germline): Pathogenic. Review status: criteria provided, multiple submitters, no conflicts (2 of 4 stars). 9 submissions from 9 submitters: Pathogenic (7). 2 of the submissions do not count toward it. Last evaluated 2025-06-20.

Conditions:
STAT3-related disorder. Also called: STAT3-related condition.
STAT3 gain of function. Identifiers: MedGen C4288261.
Hyper-IgE recurrent infection syndrome 1, autosomal dominant. Also called: Job's Syndrome; STAT3 Hyper IgE Syndrome; HYPER-IgE SYNDROME 1, AUTOSOMAL DOMINANT, WITH RECURRENT INFECTIONS; Hyper-IgE recurrent infection syndrome 1; JOB SYNDROME. Identifiers: Orphanet 2314, MedGen C2936739, MONDO:0007818, OMIM 147060.
STAT3-related early-onset multisystem autoimmune disease. Also called: Autoimmune disease, multisystem, infantile-onset, 1. Identifiers: Orphanet 438159, MedGen C4014795, MONDO:0014414, OMIM 615952.

Submissions (9):

Centre of Medical Genetics, University Hospital Muenster
Classification: Pathogenic. Last evaluated: 2025-06-20. Review status: criteria provided, single submitter. Criteria: ACMG Guidelines, 2015. Collection method: clinical testing. Allele origin: unknown. Affected: yes. Observed: 1 variant allele, 1 heterozygote.
Comment: ACMG categories: PS3,PS4_mod,PM1,PM2,PP2,PP3

Labcorp Genetics (formerly Invitae), Labcorp
Classification: Pathogenic for STAT3 gain of function; Hyper-IgE recurrent infection syndrome 1, autosomal dominant. Last evaluated: 2024-08-13. Review status: criteria provided, single submitter. Criteria: Invitae Variant Classification Sherloc (09022015). Collection method: clinical testing. Allele origin: germline.
Comment: This sequence change replaces threonine, which is neutral and polar, with methionine, which is neutral and non-polar, at codon 716 of the STAT3 protein (p.Thr716Met). This variant is not present in population databases (gnomAD no frequency). This missense change has been observed in individual(s) with autoimmune disease and early-onset polyautoimmunity (PMID: 25038750, 25359994, 29330115). In at least one individual the variant was observed to be de novo. ClinVar contains an entry for this variant (Variation ID: 224848). An algorithm developed to predict the effect of missense changes on protein structure and function (PolyPhen-2) suggests that this variant is likely to be tolerated. Experimental studies have shown that this missense change affects STAT3 function (PMID: 25038750, 25359994). For these reasons, this variant has been classified as Pathogenic.

CeGaT Center for Human Genetics Tuebingen
Classification: Pathogenic. Last evaluated: 2021-09-01. Review status: criteria provided, single submitter. Criteria: CeGaT Center For Human Genetics Tuebingen Variant Classification Criteria Version 2. Collection method: clinical testing. Allele origin: germline. Affected: yes. Observed: 2 variant alleles.

GeneDx
Classification: Pathogenic. Last evaluated: 2021-09-01. Review status: criteria provided, single submitter. Criteria: GeneDx Variant Classification Process June 2021. Collection method: clinical testing. Allele origin: germline. Affected: yes.
Comment: Observed in a patient and their parent with autoimmune enteropathy (Slowik et al., 2014); Published functional studies demonstrate variant results in a gain of function effect (Flanagan SE et al., 2014; Milner JD et al., 2015); Not observed at significant frequency in large population cohorts (Lek et al., 2016); In silico analysis supports that this missense variant does not alter protein structure/function; This variant is associated with the following publications: (PMID: 25359994, 30942636, 25038750, 31770611, 33046446, 28960754, 29330115, 26280891)

Blueprint Genetics
Classification: Pathogenic for STAT3-related disorders. Last evaluated: 2020-05-19. Review status: criteria provided, single submitter. Criteria: ACMG Guidelines, 2015. Collection method: clinical testing. Allele origin: germline. Affected: yes. Observed: 2 variant alleles.

Lupski Lab, Baylor-Hopkins CMG, Baylor College of Medicine
Classification: Pathogenic for STAT3-related early-onset multisystem autoimmune disease. Last evaluated: 2014-10-30. Review status: criteria provided, single submitter. Criteria: Milner et al. (Blood 2015). Collection method: research. Allele origin: unknown, inherited. Inheritance: Autosomal dominant inheritance. Affected: yes. Observed: 3 variant alleles, 3 heterozygotes.
Comment: segregates with the phenotype in an affected family

Center for Pediatric Genomic Medicine, Children's Mercy Hospital and Clinics
Classification: Pathogenic. Last evaluated: 2014-10-03. Review status: criteria provided, single submitter. Criteria: ACMG Guidelines, 2015. Collection method: clinical testing. Allele origin: germline.

Clinical Genomics Laboratory, Stanford Medicine
Classification: Pathogenic for STAT3-related early-onset multisystem autoimmune disease. Last evaluated: 2019-10-22. Review status: no assertion criteria provided. Collection method: clinical testing. Allele origin: germline. Inheritance: Autosomal dominant inheritance. Affected: yes. Not counted in ClinVar's aggregate classification.
Comment: The p.Thr716Met variant has been previously reported in 5 unrelated individuals with clinical features of infantile-onset multisystem autoimmune disease 1 (ADMIO1) and co-segregated with disease in 1 affected relative (Flanagan et al., 2014; Slowik et al., 2014; Milner at al., 2015; Takagi et al., 2018; Besnard et al., 2018). The p.Thr716Met was absent from large population databases, including the Genome Aggregation Database. Functional studies suggest the p.Thr716Met variant causes increased transptional activity (Flanagan et al., 2014; Milner et al., 2015). Additionally, the STAT3 gene has fewer missense variants in the general population than expected. A low rate of missense variation may suggest that this gene is intolerant to missense variation. These data were assessed using the ACMG/AMP variant interpretation guidelines. In summary, there is sufficient evidence to classify the p.Thr716Met variant as pathogenic for ADMIO1 in an autosomal dominant manner based on the information above. [ACMG evidence codes used: PS2, PM2, PS3_moderate, PP2, PS4_supporting]

OMIM
Classification: Pathogenic for AUTOIMMUNE DISEASE, MULTISYSTEM, INFANTILE-ONSET, 1. Last evaluated: 2014-08-01. Review status: no assertion criteria provided. Collection method: literature only. Allele origin: germline. Not counted in ClinVar's aggregate classification.

Literature cited by the submitters: PubMed 25038750 (cited by Labcorp Genetics (formerly Invitae), Labcorp and OMIM); PubMed 25359994 (cited by Labcorp Genetics (formerly Invitae), Labcorp and OMIM); PubMed 29330115 (cited by Labcorp Genetics (formerly Invitae), Labcorp).

NM_139276.3(STAT3):c.2147C>T (p.Thr716Met)

Gene: STAT3 (signal transducer and activator of transcription 3; minus strand). Cytogenetic location: 17q21.2.
Variant type: single nucleotide variant.
Coding change: c.2147C>T on transcript NM_139276.3 (MANE Select); coding-DNA position 2147, C replaced by T.
Protein change: p.Thr716Met; replaces threonine 716 with methionine.
Molecular consequence: missense variant. On other transcripts: intron variant (9).
Genome position (GRCh38, 1-based): chr17:42,316,899, G>A on the plus strand (C>T on the coding strand, the complement: STAT3 is on the minus strand). VCF-style: chr17-42316899-G-A. GRCh37 (hg19) VCF-style: chr17-40468917-G-A.
Other names: c.2147C>T, p.Thr716Met (NM_001369512.1, NM_001369513.1); c.2144C>T, p.Thr715Met (NM_001369514.1, NM_001369516.1, NM_003150.4); c.2063C>T, p.Thr688Met (NM_001384984.1); c.2069C>T, p.Thr690Met (NM_001384985.1); c.2126C>T, p.Thr709Met (NM_001384987.1); c.2048C>T, p.Thr683Met (NM_001384989.1); c.2120C>T, p.Thr707Met (NM_001384991.1); c.2087C>T, p.Thr696Met (NM_001384992.1); and 6 more; short protein forms T716M, T715M, T683M, T688M, T690M, T696M, T707M, T709M.
Identifiers: ClinVar variation 224848 (VCV000224848.57), dbSNP rs869312892, ClinGen allele CA357939.
Genomic context (GRCh38, chr17:42,316,899, plus strand): 5'-TGCATCAATGAATCTAAAGTGCGGGGGGACATCGGCAGGTCAATGGTATTGCTGCAGGTC[G>A]TTCTGTAGGAAATGGGGGGCAGCAGGAGGGGAAACGGGGGGTTGACAAGACACAATGGAA-3'
Protein context (NP_644805.1, residues 706-726): LKTKFICVTP[Thr716Met]TCSNTIDLPM